The following is an entry in ClinVar:

NM_001250.6(CD40):c.403+6T>A

Gene: CD40 (CD40 molecule; plus strand). Cytogenetic location: 20q13.12.
Variant type: single nucleotide variant.
Coding change: c.403+6T>A on transcript NM_001250.6 (MANE Select); 6 bases into the intron after coding-DNA position 403, T replaced by A.
Molecular consequence: intron variant.
Genome position (GRCh38, 1-based): chr20:46,122,762, T>A. VCF-style: chr20-46122762-T-A. GRCh37 (hg19) VCF-style: chr20-44751401-T-A.
Other names: c.403+6T>A (NM_001302753.2, NM_001322421.2, NM_001362758.2 and 2 more transcripts).
Identifiers: ClinVar variation 1495023 (VCV001495023.6), dbSNP rs2085344582, ClinGen allele CA2366530785.

ClinVar aggregate classification (germline): Uncertain significance (1 of 4 stars; one submission).

Allele frequency attached by ClinVar (database versions not stated): gnomAD exomes below 0.00001; TOPMed below 0.00001.
gnomAD v4.1: 1 of 1,614,076 alleles (0.000062%); highest among the groups gnomAD compares: Non-Finnish European, 0.000085%; no homozygotes.

Submission:

Labcorp Genetics (formerly Invitae), Labcorp
Classification: Uncertain significance. Last evaluated: 2022-03-02. Review status: criteria provided, single submitter. Criteria: Invitae Variant Classification Sherloc (09022015). Collection method: clinical testing. Allele origin: germline.
Comment: This variant has not been reported in the literature in individuals affected with CD40-related conditions. In summary, the available evidence is currently insufficient to determine the role of this variant in disease. Therefore, it has been classified as a Variant of Uncertain Significance. Variants that disrupt the consensus splice site are a relatively common cause of aberrant splicing (PMID: 17576681, 9536098). Algorithms developed to predict the effect of sequence changes on RNA splicing suggest that this variant is not likely to affect RNA splicing. This variant is not present in population databases (gnomAD no frequency). This sequence change falls in intron 4 of the CD40 gene. It does not directly change the encoded amino acid sequence of the CD40 protein. It affects a nucleotide within the consensus splice site.

Literature cited by the submitters: PubMed 17576681; PubMed 9536098.